The following is an entry in ClinVar:

ClinVar aggregate classification (germline): Uncertain significance (1 of 4 stars; one submission).

Conditions:
Long QT syndrome 1 (LQT1). Identifiers: Orphanet 101016, Orphanet 768, MedGen C4551647, MONDO:0100316, OMIM 192500, MONDO:0008646.

Submission:

Labcorp Genetics (formerly Invitae), Labcorp
Classification: Uncertain significance for Long QT syndrome 1. Last evaluated: 2020-05-11. Review status: criteria provided, single submitter. Criteria: Invitae Variant Classification Sherloc (09022015). Collection method: clinical testing. Allele origin: germline.
Comment: In summary, the available evidence is currently insufficient to determine the role of this variant in disease. Therefore, it has been classified as a Variant of Uncertain Significance. Experimental studies and prediction algorithms are not available or were not evaluated, and the functional significance of this variant is currently unknown. This variant has not been reported in the literature in individuals with CALM2-related conditions. This variant is not present in population databases (ExAC no frequency). This sequence change results in a premature translational stop signal in the CALM2 gene (p.Tyr139*). While this is not anticipated to result in nonsense mediated decay, it is expected to disrupt the last 11 amino acids of the CALM2 protein.

NM_001743.6(CALM2):c.413_416dup (p.Tyr139Ter)

Gene: CALM2 (calmodulin 2; minus strand). Cytogenetic location: 2p21.
Variant type: Duplication.
Coding change: c.413_416dup on transcript NM_001743.6 (MANE Select); coding-DNA positions 413 to 416, 4 bases duplicated (ACTA; older notation c.413_416dupACTA).
Protein change: p.Tyr139Ter; replaces tyrosine 139 with a stop codon.
Molecular consequence: nonsense.
Genome position (GRCh38, 1-based): chr2:47,161,728-47,161,731, TAGT duplicated on the plus strand (ACTA on the coding strand, the reverse complement: CALM2 is on the minus strand); duplicating any 4 consecutive bases within chr2:47,161,728-47,161,732 gives the same sequence; the c. name uses the placement nearest the transcript's 3' end. VCF-style (leftmost placement, unchanged base first): chr2-47161727-A-ATAGT. GRCh37 (hg19) VCF-style: chr2-47388866-A-ATAGT.
Other names: c.557_560dup, p.Tyr187Ter (NM_001305624.1); c.305_308dup, p.Tyr103Ter (NM_001305625.2, NM_001305626.1); short protein forms Y103*, Y139*, Y187*.
Identifiers: ClinVar variation 1002939 (VCV001002939.8), dbSNP rs1687163296, ClinGen allele CA2495693329.